The following is an entry in ClinVar:

ClinVar aggregate classification (germline): Uncertain significance (1 of 4 stars; one submission).

gnomAD v4.1: 4 of 1,614,064 alleles (0.00025%); highest among the groups gnomAD compares: Non-Finnish European, 0.00025%; no homozygotes.

Submission:

Labcorp Genetics (formerly Invitae), Labcorp
Classification: Uncertain significance. Last evaluated: 2022-09-01. Review status: criteria provided, single submitter. Criteria: Invitae Variant Classification Sherloc (09022015). Collection method: clinical testing. Allele origin: germline.
Comment: In summary, the available evidence is currently insufficient to determine the role of this variant in disease. Therefore, it has been classified as a Variant of Uncertain Significance. Variants that disrupt the consensus splice site are a relatively common cause of aberrant splicing (PMID: 17576681, 9536098). Algorithms developed to predict the effect of sequence changes on RNA splicing suggest that this variant is not likely to affect RNA splicing. This sequence change falls in intron 18 of the EFTUD2 gene. It does not directly change the encoded amino acid sequence of the EFTUD2 protein. It affects a nucleotide within the consensus splice site. This variant is present in population databases (no rsID available, gnomAD 0.0009%). This variant has not been reported in the literature in individuals affected with EFTUD2-related conditions.

Literature cited by the submitters: PubMed 17576681; PubMed 9536098.

NM_004247.4(EFTUD2):c.1860+6C>G

Gene: EFTUD2 (elongation factor Tu GTP binding domain containing 2; minus strand). Cytogenetic location: 17q21.31.
Variant type: single nucleotide variant.
Coding change: c.1860+6C>G on transcript NM_004247.4 (MANE Select); 6 bases into the intron after coding-DNA position 1860, C replaced by G.
Molecular consequence: intron variant.
Genome position (GRCh38, 1-based): chr17:44,859,899, G>C on the plus strand (C>G on the coding strand, the complement: EFTUD2 is on the minus strand). VCF-style: chr17-44859899-G-C. GRCh37 (hg19) VCF-style: chr17-42937267-G-C.
Other names: c.1755+6C>G (NM_001142605.2); c.1830+6C>G (NM_001258354.2); c.1860+6C>G (NM_001258353.2).
Identifiers: ClinVar variation 2028339 (VCV002028339.4), dbSNP rs1293271218, ClinGen allele CA626143990.